The following is an entry in ClinVar:

ClinVar aggregate classification (germline): Likely benign (1 of 4 stars; one submission).

Submission:

GeneDx
Classification: Likely benign. Last evaluated: 2016-04-29. Review status: criteria provided, single submitter. Criteria: GeneDx Variant Classification (06012015). Collection method: clinical testing. Allele origin: germline. Affected: yes.
Comment: This variant is considered likely benign or benign based on one or more of the following criteria: it is a conservative change, it occurs at a poorly conserved position in the protein, it is predicted to be benign by multiple in silico algorithms, and/or has population frequency not consistent with disease.

NM_000136.3(FANCC):c.1534-16T>C

Genes: FANCC (FA complementation group C; minus strand), AOPEP (aminopeptidase O (putative); plus strand). Cytogenetic location: 9q22.32.
Variant type: single nucleotide variant.
Coding change: c.1534-16T>C on transcript NM_000136.3 (MANE Select); 16 bases into the intron before coding-DNA position 1534, T replaced by C.
Molecular consequence: intron variant.
Genome position (GRCh38, 1-based): chr9:95,101,866, A>G on the plus strand (T>C on the coding strand, the complement: FANCC is on the minus strand). VCF-style: chr9-95101866-A-G. GRCh37 (hg19) VCF-style: chr9-97864148-A-G.
Other names: c.1534-16T>C (NM_001243743.2).
Identifiers: ClinVar variation 385936 (VCV000385936.1), dbSNP rs1057522372, ClinGen allele CA16606589.